The following is an entry in ClinVar:

NM_014159.7(SETD2):c.4210C>A (p.Leu1404Ile)

Gene: SETD2 (SET domain containing 2, histone lysine methyltransferase; minus strand). Cytogenetic location: 3p21.31.
Variant type: single nucleotide variant.
Coding change: c.4210C>A on transcript NM_014159.7 (MANE Select); coding-DNA position 4210, C replaced by A.
Protein change: p.Leu1404Ile; replaces leucine 1404 with isoleucine.
Molecular consequence: missense variant. On other transcripts: non-coding transcript variant (1).
Genome position (GRCh38, 1-based): chr3:47,120,426, G>T on the plus strand (C>A on the coding strand, the complement: SETD2 is on the minus strand). VCF-style: chr3-47120426-G-T. GRCh37 (hg19) VCF-style: chr3-47161916-G-T.
Other names: c.4078C>A, p.Leu1360Ile (NM_001349370.3); short protein forms L1360I, L1404I.
Identifiers: ClinVar variation 4526029 (VCV004526029.1).

ClinVar aggregate classification (germline): Uncertain significance (1 of 4 stars; one submission).

gnomAD v4.1: 20 of 1,611,080 alleles (0.0012%); highest among the groups gnomAD compares: Non-Finnish European, 0.0017%; no homozygotes.

Submission:

Women's Health and Genetics/Laboratory Corporation of America, LabCorp
Classification: Uncertain significance. Last evaluated: 2025-07-09. Review status: criteria provided, single submitter. Criteria: LabCorp Variant Classification Summary - May 2015. Collection method: clinical testing. Allele origin: germline.
Comment: Variant summary: SETD2 c.4210C>A (p.Leu1404Ile) results in a conservative amino acid change in the encoded protein sequence. Algorithms developed to predict the effect of missense changes on protein structure and function all suggest that this variant is likely to be tolerated. The variant allele was found at a frequency of 8e-06 in 248904 control chromosomes. The available data on variant occurrences in the general population are insufficient to allow any conclusion about variant significance. To our knowledge, no occurrence of c.4210C>A in individuals affected with Luscan-Lumish Syndrome and no experimental evidence demonstrating its impact on protein function have been reported. No submitters have cited clinical-significance assessments for this variant to ClinVar. Based on the evidence outlined above, the variant was classified as uncertain significance.